The following is an entry in ClinVar:

NM_004836.7(EIF2AK3):c.2439T>C (p.Cys813=)

Genes: EIF2AK3 (eukaryotic translation initiation factor 2 alpha kinase 3; minus strand), EIF2AK3-AS1 (EIF2AK3 antisense RNA 1; plus strand). Cytogenetic location: 2p11.2.
Variant type: single nucleotide variant.
Coding change: c.2439T>C on transcript NM_004836.7 (MANE Select); coding-DNA position 2439, T replaced by C.
Protein change: p.Cys813=; no amino-acid change (cysteine 813 retained).
Molecular consequence: synonymous variant. On other transcripts: non-coding transcript variant (1).
Genome position (GRCh38, 1-based): chr2:88,575,044, A>G on the plus strand (T>C on the coding strand, the complement: EIF2AK3 is on the minus strand). VCF-style: chr2-88575044-A-G. GRCh37 (hg19) VCF-style: chr2-88874562-A-G.
Other names: c.1986T>C, p.Cys662= (NM_001313915.2).
Identifiers: ClinVar variation 3239099 (VCV003239099.21), dbSNP rs2529128008.

ClinVar aggregate classification (germline): Likely benign. Review status: criteria provided, multiple submitters, no conflicts (2 of 4 stars). 2 submissions from 2 submitters: Likely benign (2). Last evaluated 2024-10-30.

Submissions (2):

Labcorp Genetics (formerly Invitae), Labcorp
Classification: Likely benign. Last evaluated: 2024-10-30. Review status: criteria provided, single submitter. Criteria: Invitae Variant Classification Sherloc (09022015). Collection method: clinical testing. Allele origin: germline.

CeGaT Center for Human Genetics Tuebingen
Classification: Likely benign. Last evaluated: 2024-05-01. Review status: criteria provided, single submitter. Criteria: CeGaT Center For Human Genetics Tuebingen Variant Classification Criteria Version 2. Collection method: clinical testing. Allele origin: germline. Affected: yes. Observed: 1 variant allele.
Comment: EIF2AK3: PM2:Supporting, BP4, BP7